The following is an entry in ClinVar:

NM_138387.4(G6PC3):c.1007G>C (p.Ser336Thr)

Gene: G6PC3 (glucose-6-phosphatase catalytic subunit 3; plus strand). Cytogenetic location: 17q21.31.
Variant type: single nucleotide variant.
Coding change: c.1007G>C on transcript NM_138387.4 (MANE Select); coding-DNA position 1007, G replaced by C.
Protein change: p.Ser336Thr; replaces serine 336 with threonine.
Molecular consequence: missense variant. On other transcripts: 3 prime UTR variant (1).
Genome position (GRCh38, 1-based): chr17:44,076,009, G>C. VCF-style: chr17-44076009-G-C. GRCh37 (hg19) VCF-style: chr17-42153377-G-C.
Other names: c.662G>C, p.Ser221Thr (NM_001384168.1, NM_001384165.1, NM_001384166.1 and 1 more transcripts); c.*300G>C (NM_001319945.2); short protein forms S336T, S221T.
Identifiers: ClinVar variation 2065160 (VCV002065160.4), dbSNP rs1049604897, ClinGen allele CA290850704.

ClinVar aggregate classification (germline): Uncertain significance. Review status: criteria provided, multiple submitters, no conflicts (2 of 4 stars). 2 submissions from 2 submitters: Uncertain significance (2). Last evaluated 2024-11-17.

Conditions:
Inborn genetic diseases. Identifiers: MedGen C0950123, MeSH D030342.
Autosomal recessive severe congenital neutropenia due to G6PC3 deficiency. Also called: G6PC3 Deficiency; NEUTROPENIA, SEVERE CONGENITAL, 4, AUTOSOMAL RECESSIVE. Identifiers: Orphanet 331176, MedGen C2751630, MONDO:0012930, OMIM 612541.

Allele frequency attached by ClinVar (database versions not stated): gnomAD 0.00001; gnomAD exomes 0.00001; TOPMed 0.00003.
gnomAD v4.1: 8 of 1,612,950 alleles (0.0005%); highest among the groups gnomAD compares: Non-Finnish European, 0.00068%; no homozygotes.

Submissions (2):

Ambry Genetics
Classification: Uncertain significance for Inborn genetic diseases. Last evaluated: 2024-11-17. Review status: criteria provided, single submitter. Criteria: Ambry Variant Classification Scheme 2023. Collection method: clinical testing. Allele origin: germline.
Comment: The p.S336T variant (also known as c.1007G>C), located in coding exon 6 of the G6PC3 gene, results from a G to C substitution at nucleotide position 1007. The serine at codon 336 is replaced by threonine, an amino acid with similar properties. This amino acid position is conserved. In addition, this alteration is predicted to be tolerated by in silico analysis. Based on the available evidence, the clinical significance of this variant remains unclear.

Labcorp Genetics (formerly Invitae), Labcorp
Classification: Uncertain significance for Autosomal recessive severe congenital neutropenia due to G6PC3 deficiency. Last evaluated: 2024-10-30. Review status: criteria provided, single submitter. Criteria: Invitae Variant Classification Sherloc (09022015). Collection method: clinical testing. Allele origin: germline.
Comment: This sequence change replaces serine, which is neutral and polar, with threonine, which is neutral and polar, at codon 336 of the G6PC3 protein (p.Ser336Thr). The frequency data for this variant in the population databases is considered unreliable, as metrics indicate poor data quality at this position in the gnomAD database. This variant has not been reported in the literature in individuals affected with G6PC3-related conditions. ClinVar contains an entry for this variant (Variation ID: 2065160). Invitae Evidence Modeling of protein sequence and biophysical properties (such as structural, functional, and spatial information, amino acid conservation, physicochemical variation, residue mobility, and thermodynamic stability) indicates that this missense variant is not expected to disrupt G6PC3 protein function with a negative predictive value of 95%. In summary, the available evidence is currently insufficient to determine the role of this variant in disease. Therefore, it has been classified as a Variant of Uncertain Significance.